The following is an entry in ClinVar:

NM_018136.5(ASPM):c.2174-114T>G

Gene: ASPM (assembly factor for spindle microtubules; minus strand). Cytogenetic location: 1q31.3.
Variant type: single nucleotide variant.
Coding change: c.2174-114T>G on transcript NM_018136.5 (MANE Select); 114 bases into the intron before coding-DNA position 2174, T replaced by G.
Molecular consequence: intron variant.
Genome position (GRCh38, 1-based): chr1:197,133,709, A>C on the plus strand (T>G on the coding strand, the complement: ASPM is on the minus strand). VCF-style: chr1-197133709-A-C. GRCh37 (hg19) VCF-style: chr1-197102839-A-C.
Other names: c.2174-114T>G (NM_001206846.2).
Identifiers: ClinVar variation 678051 (VCV000678051.2), dbSNP rs4915345, ClinGen allele CA16075656.

ClinVar aggregate classification (germline): Benign. Review status: criteria provided, multiple submitters, no conflicts (2 of 4 stars). 2 submissions from 2 submitters: Benign (2). Last evaluated 2018-06-19.

Allele frequency attached by ClinVar (database versions not stated): 1000 Genomes Project 0.81589; TOPMed 0.79754; 1000 Genomes Project 30x 0.80434.
gnomAD v4.1: 1,081,599 of 1,217,602 alleles (89%); highest among the groups gnomAD compares: East Asian, 100%; 485,244 homozygotes.

Submissions (2):

GeneDx
Classification: Benign. Last evaluated: 2018-06-19. Review status: criteria provided, single submitter. Criteria: GeneDx Variant Classification (06012015). Collection method: clinical testing. Allele origin: germline. Affected: yes.
Comment: This variant is considered likely benign or benign based on one or more of the following criteria: it is a conservative change, it occurs at a poorly conserved position in the protein, it is predicted to be benign by multiple in silico algorithms, and/or has population frequency not consistent with disease.

Breakthrough Genomics
Classification: Benign. Review status: criteria provided, single submitter. Criteria: ACMG Guidelines, 2015. Collection method: not provided. Allele origin: germline. Inheritance: Autosomal recessive inheritance. Affected: yes.